The following is an entry in ClinVar:

NM_001148.6(ANK2):c.4588G>C (p.Gly1530Arg)

Gene: ANK2 (ankyrin 2; plus strand). Cytogenetic location: 4q26.
Variant type: single nucleotide variant.
Coding change: c.4588G>C on transcript NM_001148.6 (MANE Select); coding-DNA position 4588, G replaced by C.
Protein change: p.Gly1530Arg; replaces glycine 1530 with arginine.
Molecular consequence: missense variant. On other transcripts: intron variant (68).
Genome position (GRCh38, 1-based): chr4:113,353,206, G>C. VCF-style: chr4-113353206-G-C. GRCh37 (hg19) VCF-style: chr4-114274362-G-C.
Other names: c.4354G>C, p.Gly1452Arg (NM_001386142.1); c.988G>C, p.Gly330Arg (NM_001386166.1); c.4729G>C, p.Gly1577Arg (NM_001386174.1); c.4705G>C, p.Gly1569Arg (NM_001386175.1); c.4411+2957G>C (NM_001386186.2, NM_001386148.2); c.4213+2957G>C (NM_001354269.3); c.4291+2957G>C (NM_001386187.2); c.4252+2957G>C (NM_001386147.1); and 35 more; short protein forms G1530R, G1452R, G1569R, G1577R, G330R.
Identifiers: ClinVar variation 859431 (VCV000859431.6), dbSNP rs1463969796, ClinGen allele CA357915063.
Genomic context (GRCh38, chr4:113,353,206, plus strand): 5'-ATGAAACAAGATTTGATCAAAATGACCGCCATCTTGACCACAGATGTGTCTGATAAGGCA[G>C]GTTCTATTAAAGTGAAGGAGCTGGTGAAGGCTGCTGAGGAAGAGCCAGGAGAGCCTTTTG-3'
Protein context (NP_001139.3, residues 1520-1540): ILTTDVSDKA[Gly1530Arg]SIKVKELVKA

ClinVar aggregate classification (germline): Uncertain significance (1 of 4 stars; one submission).

Conditions:
Long QT syndrome (LQTS). Identifiers: MedGen C0023976, MeSH D008133, MONDO:0002442. Disease mechanism: loss of function. Inheritance: Various modes of inheritance.

Allele frequency attached by ClinVar (database versions not stated): gnomAD exomes below 0.00001.
gnomAD v4.1: 12 of 1,614,036 alleles (0.00074%); highest among the groups gnomAD compares: Non-Finnish European, 0.001%; no homozygotes.

Submission:

Labcorp Genetics (formerly Invitae), Labcorp
Classification: Uncertain significance for Long QT syndrome. Last evaluated: 2019-01-26. Review status: criteria provided, single submitter. Criteria: Invitae Variant Classification Sherloc (09022015). Collection method: clinical testing. Allele origin: germline.
Comment: In summary, the available evidence is currently insufficient to determine the role of this variant in disease. Therefore, it has been classified as a Variant of Uncertain Significance. This sequence change replaces glycine with arginine at codon 1530 of the ANK2 protein (p.Gly1530Arg). The glycine residue is weakly conserved and there is a moderate physicochemical difference between glycine and arginine. This variant is not present in population databases (ExAC no frequency). This variant has not been reported in the literature in individuals with ANK2-related conditions. Algorithms developed to predict the effect of missense changes on protein structure and function are either unavailable or do not agree on the potential impact of this missense change (SIFT: "Deleterious"; PolyPhen-2: "Possibly Damaging"; Align-GVGD: "Class C0").